The following is an entry in ClinVar:

NM_005342.4(HMGB3):c.480_481dup (p.Lys161fs)

Gene: HMGB3 (high mobility group box 3; plus strand). Cytogenetic location: Xq28.
Variant type: Microsatellite.
Coding change: c.480_481dup on transcript NM_005342.4 (MANE Select); coding-DNA positions 480 to 481, 2 bases duplicated (TA; older notation c.480_481dupTA).
Protein change: p.Lys161fs; shifts the reading frame from lysine 161.
Molecular consequence: frameshift variant.
Genome position (GRCh38, 1-based): chrX:150,987,791-150,987,792, TA duplicated; duplicating any 2 consecutive bases within chrX:150,987,789-150,987,792 gives the same sequence; the c. name uses the placement nearest the transcript's 3' end. VCF-style (leftmost placement, unchanged base first): chrX-150987788-C-CTA. GRCh37 (hg19) VCF-style: chrX-150156261-C-CTA.
Other names: c.480_481dup, p.Lys161fs (NM_001301228.2, NM_001301229.2); c.540_541dup, p.Lys181fs (NM_001301231.2); short protein forms K181fs, K161fs.
Identifiers: ClinVar variation 140456 (VCV000140456.4), dbSNP rs431825172, ClinGen allele CA215011.

ClinVar aggregate classification (germline): Uncertain significance. Review status: criteria provided, single submitter (1 of 4 stars). 3 submissions from 3 submitters: Uncertain significance (1). 2 of the submissions do not count toward it. Last evaluated 2023-06-24.

Conditions:
X-linked colobomatous microphthalmia-microcephaly-intellectual disability-short stature syndrome. Also called: Microphthalmia, syndromic 13; MAINE MICROPHTHALMOS; COLOBOMATOUS MICROPHTHALMIA WITH MICROCEPHALY, SHORT STATURE, AND PSYCHOMOTOR RETARDATION. Identifiers: Orphanet 431140, MedGen C3806742, MONDO:0010485, OMIM 300915.

Submissions (3):

Labcorp Genetics (formerly Invitae), Labcorp
Classification: Uncertain significance. Last evaluated: 2023-06-24. Review status: criteria provided, single submitter. Criteria: Invitae Variant Classification Sherloc (09022015). Collection method: clinical testing. Allele origin: germline.
Comment: This sequence change results in a frameshift in the HMGB3 gene (p.Lys161Ilefs*55). While this is not anticipated to result in nonsense mediated decay, it is expected to disrupt the last 40 amino acid(s) of the HMGB3 protein and extend the protein by 14 additional amino acid residues. This variant is not present in population databases (gnomAD no frequency). This frameshift has been observed in individual(s) with X-linked colobomatous microphthalmia syndrome. (PMID: 24993872). Experimental studies and prediction algorithms are not available or were not evaluated, and the functional significance of this variant is currently unknown. In summary, the available evidence is currently insufficient to determine the role of this variant in disease. Therefore, it has been classified as a Variant of Uncertain Significance.

OMIM
Classification: Pathogenic for MICROPHTHALMIA, SYNDROMIC 13 (1 family). Last evaluated: 2014-07-03. Review status: no assertion criteria provided. Collection method: literature only. Allele origin: germline. Not counted in ClinVar's aggregate classification.

Johns Hopkins Genetic Resources Core Facility; Johns Hopkins University
No classification provided. Review status: no classification provided. Collection method: not provided. Allele origin: germline. Not counted in ClinVar's aggregate classification.
Comment: Maine Microphthalmia

Literature cited by the submitters: PubMed 24993872 (cited by Labcorp Genetics (formerly Invitae), Labcorp and OMIM); PubMed 4998085 (cited by OMIM).